The following is an entry in ClinVar:

NM_144631.6(ZNF513):c.1057C>G (p.Gln353Glu)

Gene: ZNF513 (zinc finger protein 513; minus strand). Cytogenetic location: 2p23.3.
Variant type: single nucleotide variant.
Coding change: c.1057C>G on transcript NM_144631.6 (MANE Select); coding-DNA position 1057, C replaced by G.
Protein change: p.Gln353Glu; replaces glutamine 353 with glutamic acid.
Molecular consequence: missense variant.
Genome position (GRCh38, 1-based): chr2:27,378,114, G>C on the plus strand (C>G on the coding strand, the complement: ZNF513 is on the minus strand). VCF-style: chr2-27378114-G-C. GRCh37 (hg19) VCF-style: chr2-27600981-G-C.
Other names: c.871C>G, p.Gln291Glu (NM_001201459.2); short protein forms Q353E, Q291E.
Identifiers: ClinVar variation 2849154 (VCV002849154.3), dbSNP rs1435699926, ClinGen allele CA346216242.
Genomic context (GRCh38, chr2:27,378,114, plus strand): 5'-TGGGATAGTGAGTGGCAAAGGGGCAGAGGCTACAGGCAAAGCCTTTGTCACTGGGGCCCT[G>C]GGGCCCCCCACTGGCACCCCCTCCAGCCTCTCCTCGCATGCAGCGCCCACACATGGCAGC-3'
Protein context (NP_653232.3, residues 343-363): EAGGGASGGP[Gln353Glu]GPSDKGFACS

ClinVar aggregate classification (germline): Uncertain significance (1 of 4 stars; one submission).

Allele frequency attached by ClinVar (database versions not stated): gnomAD exomes below 0.00001.

Submission:

Labcorp Genetics (formerly Invitae), Labcorp
Classification: Uncertain significance. Last evaluated: 2023-04-10. Review status: criteria provided, single submitter. Criteria: Invitae Variant Classification Sherloc (09022015). Collection method: clinical testing. Allele origin: germline.
Comment: In summary, the available evidence is currently insufficient to determine the role of this variant in disease. Therefore, it has been classified as a Variant of Uncertain Significance. An algorithm developed to predict the effect of missense changes on protein structure and function (PolyPhen-2) suggests that this variant is likely to be tolerated. This variant has not been reported in the literature in individuals affected with ZNF513-related conditions. This variant is present in population databases (no rsID available, gnomAD 0.003%). This sequence change replaces glutamine, which is neutral and polar, with glutamic acid, which is acidic and polar, at codon 353 of the ZNF513 protein (p.Gln353Glu).